The following is an entry in ClinVar:

NM_001303052.2(MYT1L):c.3167_3168delinsAA (p.Ser1056Lys)

Gene: MYT1L (myelin transcription factor 1 like; minus strand). Cytogenetic location: 2p25.3.
Variant type: Indel.
Coding change: c.3167_3168delinsAA on transcript NM_001303052.2 (MANE Select); coding-DNA positions 3167 to 3168, GC replaced by AA.
Protein change: p.Ser1056Lys; replaces serine 1056 with lysine.
Molecular consequence: missense variant.
Genome position (GRCh38, 1-based): chr2:1,809,080-1,809,081, GC replaced by TT on the plus strand (GC replaced by AA on the coding strand, the reverse complement: MYT1L is on the minus strand). VCF-style: chr2-1809080-GC-TT. GRCh37 (hg19) VCF-style: chr2-1812852-GC-TT.
Other names: c.3167_3168delinsAA, p.Ser1056Lys (NM_001329844.2, NM_001329845.1, NM_001329851.3); c.3161_3162delinsAA, p.Ser1054Lys (NM_001329846.3, NM_001329847.2, NM_001329848.1 and 3 more transcripts); short protein forms S1054K, S1056K.
Identifiers: ClinVar variation 5009011 (VCV005009011.1).

ClinVar aggregate classification (germline): Uncertain significance (1 of 4 stars; one submission).

Submission:

GeneDx
Classification: Uncertain significance. Last evaluated: 2026-03-10. Review status: criteria provided, single submitter. Criteria: GeneDx Variant Classification Process June 2021. Collection method: clinical testing. Allele origin: germline.
Comment: Not observed at significant frequency in large population cohorts (gnomAD); In silico analysis supports a deleterious effect on protein structure/function; Has not been previously published as pathogenic or benign to our knowledge